The following is an entry in ClinVar:

NM_000257.4(MYH7):c.2335G>A (p.Glu779Lys)

Genes: MYH7 (myosin heavy chain 7; minus strand), LOC126861898 (BRD4-independent group 4 enhancer GRCh37_chr14:23893609-23894808; plus strand). Cytogenetic location: 14q11.2.
Variant type: single nucleotide variant.
Coding change: c.2335G>A on transcript NM_000257.4 (MANE Select); coding-DNA position 2335, G replaced by A.
Protein change: p.Glu779Lys; replaces glutamic acid 779 with lysine.
Molecular consequence: missense variant.
Genome position (GRCh38, 1-based): chr14:23,425,370, C>T on the plus strand (G>A on the coding strand, the complement: MYH7 is on the minus strand). VCF-style: chr14-23425370-C-T. GRCh37 (hg19) VCF-style: chr14-23894579-C-T.
Other names: short protein forms E779K.
Identifiers: ClinVar variation 1339203 (VCV001339203.8), dbSNP rs1427104281, ClinGen allele CA389048627.

ClinVar aggregate classification (germline): Conflicting classifications of pathogenicity. Review status: criteria provided, conflicting classifications (1 of 4 stars). 2 submissions from 2 submitters: Likely pathogenic (1); Uncertain significance (1). Last evaluated 2025-08-10.

Conditions:
Myosin storage myopathy (CMYO7A). Also called: Scapuloperoneal myopathy, MYH7-related; MYOPATHY WITH LYSIS OF TYPE I MYOFIBRILS; MYH7-related late-onset scapuloperoneal muscular dystrophy; Congenital myopathy 7A, myosin storage, autosomal dominant; SCAPULOPERONEAL MUSCULAR DYSTROPHY; SCAPULOPERONEAL SYNDROME, MYOPATHIC TYPE. Identifiers: Orphanet 437572, Orphanet 636965, MedGen C1842160, MONDO:0008409, OMIM 608358.
Hypertrophic cardiomyopathy. Also called: HYPERTROPHIC MYOCARDIOPATHY. Identifiers: Orphanet 217569, MedGen C0007194, MeSH D002312, MONDO:0005045, HP:0001639.

Allele frequency attached by ClinVar (database versions not stated): TOPMed below 0.00001.
gnomAD v4.1: 7 of 1,614,174 alleles (0.00043%); highest among the groups gnomAD compares: Non-Finnish European, 0.00059%; no homozygotes.

Submissions (2):

Labcorp Genetics (formerly Invitae), Labcorp
Classification: Likely pathogenic for Hypertrophic cardiomyopathy. Last evaluated: 2025-08-10. Review status: criteria provided, single submitter. Criteria: Invitae Variant Classification Sherloc (09022015). Collection method: clinical testing. Allele origin: germline.
Comment: This sequence change replaces glutamic acid, which is acidic and polar, with lysine, which is basic and polar, at codon 779 of the MYH7 protein (p.Glu779Lys). This variant is not present in population databases (gnomAD no frequency). This missense change has been observed in individuals with dilated cardiomyopathy (PMID: 37461109; internal data). ClinVar contains an entry for this variant (Variation ID: 1339203). Invitae Evidence Modeling of protein sequence and biophysical properties (such as structural, functional, and spatial information, amino acid conservation, physicochemical variation, residue mobility, and thermodynamic stability) indicates that this missense variant is expected to disrupt MYH7 protein function with a positive predictive value of 95%. In summary, the currently available evidence indicates that the variant is pathogenic, but additional data are needed to prove that conclusively. Therefore, this variant has been classified as Likely Pathogenic.

Neuberg Centre For Genomic Medicine, NCGM
Classification: Uncertain significance for Myosin storage myopathy. Review status: criteria provided, single submitter. Criteria: ACMG Guidelines, 2015. Collection method: clinical testing. Allele origin: germline. Affected: yes.
Comment: The missense variant p.E779K in MYH7 (NM_000257.4)has not been reported before as a pathogenic nor a benign variant. Another variant in the same position E779Q has been reported to be disease causing. The p.E779K variant is novel (not in any individuals) in gnomAD Exomes and is novel (not in any individuals) in 1000 Genomes. The p.E779K missense variant is predicted to be damaging by both SIFT and PolyPhen2. The glutamic acid residue at codon 779 of MYH7 is conserved in all mammalian species. The nucleotide c.2335 in MYH7 is predicted conserved by GERP++ and PhyloP across 100 vertebrates. For these reasons, this variant has been classified as Uncertain Significance.

Literature cited by the submitters: PubMed 37461109 (cited by Labcorp Genetics (formerly Invitae), Labcorp).